The following is an entry in ClinVar:

ClinVar aggregate classification (germline): Uncertain significance. Review status: criteria provided, multiple submitters, no conflicts (2 of 4 stars). 2 submissions from 2 submitters: Uncertain significance (2). Last evaluated 2022-06-10.

Allele frequency attached by ClinVar (database versions not stated): gnomAD 0.00002; gnomAD exomes 0.00003 and 0.00006; ExAC 0.00005; ESP Exome Variant Server 0.00022.
gnomAD v4.1: 87 of 1,551,248 alleles (0.0056%); highest among the groups gnomAD compares: Non-Finnish European, 0.0074%; no homozygotes.

Submissions (2):

Ambry Genetics
Classification: Uncertain significance. Last evaluated: 2022-06-10. Review status: criteria provided, single submitter. Criteria: Ambry Variant Classification Scheme 2023. Collection method: clinical testing. Allele origin: germline.

Labcorp Genetics (formerly Invitae), Labcorp
Classification: Uncertain significance. Last evaluated: 2022-05-15. Review status: criteria provided, single submitter. Criteria: Invitae Variant Classification Sherloc (09022015). Collection method: clinical testing. Allele origin: germline.
Comment: This sequence change replaces glutamic acid, which is acidic and polar, with glutamine, which is neutral and polar, at codon 9 of the KPNA7 protein (p.Glu9Gln). This variant is present in population databases (rs375192992, gnomAD 0.007%). This variant has not been reported in the literature in individuals affected with KPNA7-related conditions. Algorithms developed to predict the effect of missense changes on protein structure and function are either unavailable or do not agree on the potential impact of this missense change (SIFT: "Tolerated"; PolyPhen-2: "Possibly Damaging"; Align-GVGD: "Class C0"). In summary, the available evidence is currently insufficient to determine the role of this variant in disease. Therefore, it has been classified as a Variant of Uncertain Significance.

NM_001145715.3(KPNA7):c.25G>C (p.Glu9Gln)

Gene: KPNA7 (karyopherin subunit alpha 7; minus strand). Cytogenetic location: 7q22.1.
Variant type: single nucleotide variant.
Coding change: c.25G>C on transcript NM_001145715.3 (MANE Select); coding-DNA position 25, G replaced by C.
Protein change: p.Glu9Gln; replaces glutamic acid 9 with glutamine.
Molecular consequence: missense variant.
Genome position (GRCh38, 1-based): chr7:99,207,442, C>G on the plus strand (G>C on the coding strand, the complement: KPNA7 is on the minus strand). VCF-style: chr7-99207442-C-G. GRCh37 (hg19) VCF-style: chr7-98805065-C-G.
Other names: c.25G>C (NM_001145715.1); short protein forms E9Q.
Identifiers: ClinVar variation 1345215 (VCV001345215.6), dbSNP rs375192992, ClinGen allele CA4363314.